The following is an entry in ClinVar:

ClinVar aggregate classification (germline): Uncertain significance (1 of 4 stars; one submission).

Conditions:
Hereditary cancer-predisposing syndrome. Also called: Neoplastic Syndromes, Hereditary; Tumor predisposition; Hereditary Cancer Syndrome; Hereditary neoplastic syndrome. Identifiers: Orphanet 140162, MedGen C0027672, MeSH D009386, MONDO:0015356.

Submission:

Color Diagnostics, LLC DBA Color Health
Classification: Uncertain significance for Hereditary cancer-predisposing syndrome. Last evaluated: 2024-03-07. Review status: criteria provided, single submitter. Criteria: ACMG Guidelines, 2015. Collection method: clinical testing. Allele origin: germline.
Comment: This missense variant replaces lysine with glutamine at codon 1820 of the ATM protein. Computational prediction suggests that this variant may not impact protein structure and function (internally defined REVEL score threshold <= 0.5, PMID: 27666373). To our knowledge, functional studies have not been reported for this variant. This variant has not been reported in individuals affected with hereditary cancer in the literature. This variant has not been identified in the general population by the Genome Aggregation Database (gnomAD). The available evidence is insufficient to determine the role of this variant in disease conclusively. Therefore, this variant is classified as a Variant of Uncertain Significance.

NM_000051.4(ATM):c.5458A>C (p.Lys1820Gln)

Gene: ATM (ATM serine/threonine kinase; plus strand). Cytogenetic location: 11q22.3.
Variant type: single nucleotide variant.
Coding change: c.5458A>C on transcript NM_000051.4 (MANE Select); coding-DNA position 5458, A replaced by C.
Protein change: p.Lys1820Gln; replaces lysine 1820 with glutamine.
Molecular consequence: missense variant.
Genome position (GRCh38, 1-based): chr11:108,302,991, A>C. VCF-style: chr11-108302991-A-C. GRCh37 (hg19) VCF-style: chr11-108173718-A-C.
Other names: c.5458A>C, p.Lys1820Gln (NM_001351834.2); short protein forms K1820Q.
Identifiers: ClinVar variation 2774685 (VCV002774685.2), dbSNP rs2135930421, ClinGen allele CA382544273.